The following is an entry in ClinVar:

NM_000719.7(CACNA1C):c.4610G>A (p.Arg1537His)

Gene: CACNA1C (calcium voltage-gated channel subunit alpha1 C; plus strand). Cytogenetic location: 12p13.33.
Variant type: single nucleotide variant.
Coding change: c.4610G>A on transcript NM_000719.7 (MANE Select); coding-DNA position 4610, G replaced by A.
Protein change: p.Arg1537His; replaces arginine 1537 with histidine.
Molecular consequence: missense variant.
Genome position (GRCh38, 1-based): chr12:2,666,769, G>A. VCF-style: chr12-2666769-G-A. GRCh37 (hg19) VCF-style: chr12-2775935-G-A.
Other names: c.4754G>A, p.Arg1585His (NM_001129827.2, NM_199460.4); c.4676G>A, p.Arg1559His (NM_001129829.2); c.4610G>A, p.Arg1537His (NM_001129830.3, NM_001129833.2, NM_001129834.2 and 7 more transcripts); c.4694G>A, p.Arg1565His (NM_001129831.2); c.4670G>A, p.Arg1557His (NM_001129832.2); c.4661G>A, p.Arg1554His (NM_001129836.2); c.4577G>A, p.Arg1526His (NM_001129837.2, NM_001129838.2, NM_001129846.2 and 1 more transcripts); c.4571G>A, p.Arg1524His (NM_001129839.2); and 1 more; short protein forms R1524H, R1526H, R1534H, R1537H, R1554H, R1557H, R1559H, R1565H.
Identifiers: ClinVar variation 3360971 (VCV003360971.2).

ClinVar aggregate classification (germline): Uncertain significance (1 of 4 stars; one submission).

gnomAD v4.1: 1 of 1,599,596 alleles (0.000063%); no homozygotes.

Submission:

GeneDx
Classification: Uncertain significance. Last evaluated: 2025-05-13. Review status: criteria provided, single submitter. Criteria: GeneDx Variant Classification Process June 2021. Collection method: clinical testing. Allele origin: germline.
Comment: Not observed at significant frequency in large population cohorts (gnomAD); In silico analysis supports that this missense variant has a deleterious effect on protein structure/function; Has not been previously published as pathogenic or benign to our knowledge